The following is an entry in ClinVar:

NM_005529.7(HSPG2):c.9078C>T (p.Ile3026=)

Gene: HSPG2 (heparan sulfate proteoglycan 2; minus strand). Cytogenetic location: 1p36.12.
Variant type: single nucleotide variant.
Coding change: c.9078C>T on transcript NM_005529.7 (MANE Select); coding-DNA position 9078, C replaced by T.
Protein change: p.Ile3026=; no amino-acid change (isoleucine 3026 retained).
Molecular consequence: synonymous variant.
Genome position (GRCh38, 1-based): chr1:21,842,117, G>A on the plus strand (C>T on the coding strand, the complement: HSPG2 is on the minus strand). VCF-style: chr1-21842117-G-A. GRCh37 (hg19) VCF-style: chr1-22168610-G-A.
Other names: c.9078C>T (NM_005529.6); c.9081C>T, p.Ile3027= (NM_001291860.2).
Identifiers: ClinVar variation 1561968 (VCV001561968.12), dbSNP rs376461082, ClinGen allele CA670555.

ClinVar aggregate classification (germline): Likely benign. Review status: criteria provided, multiple submitters, no conflicts (2 of 4 stars). 3 submissions from 3 submitters: Likely benign (2). 1 of the submissions does not count toward it. Last evaluated 2025-08-19.

Conditions:
HSPG2-related disorder. Also called: HSPG2-related disorders; HSPG2-related condition.

Allele frequency attached by ClinVar (database versions not stated): gnomAD 0.00005; TOPMed 0.00005; gnomAD exomes 0.00006 and 0.00010; ExAC 0.00012; ESP Exome Variant Server 0.00023.
gnomAD v4.1: 99 of 1,613,600 alleles (0.0061%); highest among the groups gnomAD compares: Non-Finnish European, 0.0082%; no homozygotes.

Submissions (3):

Labcorp Genetics (formerly Invitae), Labcorp
Classification: Likely benign. Last evaluated: 2025-08-19. Review status: criteria provided, single submitter. Criteria: Invitae Variant Classification Sherloc (09022015). Collection method: clinical testing. Allele origin: germline.

Blueprint Genetics
Classification: Likely benign. Last evaluated: 2024-01-23. Review status: criteria provided, single submitter. Criteria: ACMG Guidelines, 2015. Collection method: clinical testing. Allele origin: germline.

PreventionGenetics, part of Exact Sciences
Classification: Likely benign for HSPG2-related condition. Last evaluated: 2019-06-10. Review status: no assertion criteria provided. Collection method: clinical testing. Allele origin: germline. Not counted in ClinVar's aggregate classification.
Comment: This variant is classified as likely benign based on ACMG/AMP sequence variant interpretation guidelines (Richards et al. 2015 PMID: 25741868, with internal and published modifications).